The following is an entry in ClinVar:

NM_001378969.1(KCND3):c.655G>T (p.Gly219Trp)

Gene: KCND3 (potassium voltage-gated channel subfamily D member 3; minus strand). Cytogenetic location: 1p13.2.
Variant type: single nucleotide variant.
Coding change: c.655G>T on transcript NM_001378969.1 (MANE Select); coding-DNA position 655, G replaced by T.
Protein change: p.Gly219Trp; replaces glycine 219 with tryptophan.
Molecular consequence: missense variant.
Genome position (GRCh38, 1-based): chr1:111,982,072, C>A on the plus strand (G>T on the coding strand, the complement: KCND3 is on the minus strand). VCF-style: chr1-111982072-C-A. GRCh37 (hg19) VCF-style: chr1-112524694-C-A.
Other names: c.655G>T, p.Gly219Trp (NM_001378970.1, NM_004980.5, NM_172198.3); short protein forms G219W.
Identifiers: ClinVar variation 3720107 (VCV003720107.2).

ClinVar aggregate classification (germline): Uncertain significance (1 of 4 stars; one submission).

Conditions:
Spinocerebellar ataxia type 19/22 (SCA19). Also called: SPINOCEREBELLAR ATAXIA 19; SPINOCEREBELLAR ATAXIA 22. Identifiers: Orphanet 98772, MedGen C1846367, MONDO:0011819, OMIM 607346.

Submission:

Labcorp Genetics (formerly Invitae), Labcorp
Classification: Uncertain significance for Spinocerebellar ataxia type 19/22. Last evaluated: 2024-12-10. Review status: criteria provided, single submitter. Criteria: Invitae Variant Classification Sherloc (09022015). Collection method: clinical testing. Allele origin: germline.
Comment: This sequence change replaces glycine, which is neutral and non-polar, with tryptophan, which is neutral and slightly polar, at codon 219 of the KCND3 protein (p.Gly219Trp). This variant is not present in population databases (gnomAD no frequency). This variant has not been reported in the literature in individuals affected with KCND3-related conditions. Invitae Evidence Modeling of protein sequence and biophysical properties (such as structural, functional, and spatial information, amino acid conservation, physicochemical variation, residue mobility, and thermodynamic stability) indicates that this missense variant is expected to disrupt KCND3 protein function with a positive predictive value of 95%. In summary, the available evidence is currently insufficient to determine the role of this variant in disease. Therefore, it has been classified as a Variant of Uncertain Significance.